The following is an entry in ClinVar:

NM_017831.4(RNF125):c.127G>A (p.Val43Met)

Genes: RNF125 (ring finger protein 125; plus strand), LOC121852963 (Sharpr-MPRA regulatory region 13938; plus strand). Cytogenetic location: 18q12.1.
Variant type: single nucleotide variant.
Coding change: c.127G>A on transcript NM_017831.4 (MANE Select); coding-DNA position 127, G replaced by A.
Protein change: p.Val43Met; replaces valine 43 with methionine.
Molecular consequence: missense variant.
Genome position (GRCh38, 1-based): chr18:32,018,990, G>A. VCF-style: chr18-32018990-G-A. GRCh37 (hg19) VCF-style: chr18-29598953-G-A.
Other names: short protein forms V43M.
Identifiers: ClinVar variation 1954081 (VCV001954081.5), dbSNP rs758868773, ClinGen allele CA8930387.

ClinVar aggregate classification (germline): Uncertain significance (1 of 4 stars; one submission).

Conditions:
Tenorio syndrome (TNORS). Also called: OVERGROWTH, MACROCEPHALY, AND INTELLECTUAL DISABILITY SYNDROME. Identifiers: MedGen C4015710, MONDO:0014553, OMIM 616260.

Allele frequency attached by ClinVar (database versions not stated): TOPMed below 0.00001; gnomAD 0.00001; ExAC 0.00002; gnomAD exomes 0.00003.

Submission:

Labcorp Genetics (formerly Invitae), Labcorp
Classification: Uncertain significance for Tenorio syndrome. Last evaluated: 2022-05-16. Review status: criteria provided, single submitter. Criteria: Invitae Variant Classification Sherloc (09022015). Collection method: clinical testing. Allele origin: germline.
Comment: In summary, the available evidence is currently insufficient to determine the role of this variant in disease. Therefore, it has been classified as a Variant of Uncertain Significance. Algorithms developed to predict the effect of missense changes on protein structure and function are either unavailable or do not agree on the potential impact of this missense change (SIFT: "Deleterious"; PolyPhen-2: "Possibly Damaging"; Align-GVGD: "Class C0"). This variant has not been reported in the literature in individuals affected with RNF125-related conditions. This variant is present in population databases (rs758868773, gnomAD 0.02%). This sequence change replaces valine, which is neutral and non-polar, with methionine, which is neutral and non-polar, at codon 43 of the RNF125 protein (p.Val43Met).